The following is an entry in ClinVar:

NM_000256.3(MYBPC3):c.3251T>C (p.Leu1084Pro)

Gene: MYBPC3 (myosin binding protein C3; minus strand). Cytogenetic location: 11p11.2.
Variant type: single nucleotide variant.
Coding change: c.3251T>C on transcript NM_000256.3 (MANE Select); coding-DNA position 3251, T replaced by C.
Protein change: p.Leu1084Pro; replaces leucine 1084 with proline.
Molecular consequence: missense variant.
Genome position (GRCh38, 1-based): chr11:47,333,273, A>G on the plus strand (T>C on the coding strand, the complement: MYBPC3 is on the minus strand). VCF-style: chr11-47333273-A-G. GRCh37 (hg19) VCF-style: chr11-47354824-A-G.
Other names: short protein forms L1084P.
Identifiers: ClinVar variation 3230884 (VCV003230884.1), dbSNP rs2495740170, ClinGen allele CA380314314.

ClinVar aggregate classification (germline): Uncertain significance (1 of 4 stars; one submission).

Conditions:
Cardiovascular phenotype. Identifiers: MedGen CN230736.

Submission:

Ambry Genetics
Classification: Uncertain significance for Cardiovascular phenotype. Last evaluated: 2023-11-27. Review status: criteria provided, single submitter. Criteria: Ambry Variant Classification Scheme 2023. Collection method: clinical testing. Allele origin: germline.
Comment: The p.L1084P variant (also known as c.3251T>C), located in coding exon 30 of the MYBPC3 gene, results from a T to C substitution at nucleotide position 3251. The leucine at codon 1084 is replaced by proline, an amino acid with similar properties. This alteration has been reported in association with hypertrophic cardiomyopathy (HCM) (Roncarati R et al. J Cell Physiol, 2011 Nov;226:2894-900; Magr&igrave; D et al. J Clin Med, 2020 May;9:). This amino acid position is highly conserved in available vertebrate species. In addition, this alteration is predicted to be deleterious by in silico analysis. Since supporting evidence is limited at this time, the clinical significance of this alteration remains unclear.

Literature cited by the submitters: PubMed 21302287; PubMed 32481709.